The following is an entry in ClinVar:

NM_007294.4(BRCA1):c.916A>G (p.Asn306Asp)

Gene: BRCA1 (BRCA1 DNA repair associated; minus strand). Cytogenetic location: 17q21.31.
Variant type: single nucleotide variant.
Coding change: c.916A>G on transcript NM_007294.4 (MANE Select); coding-DNA position 916, A replaced by G.
Protein change: p.Asn306Asp; replaces asparagine 306 with aspartic acid.
Molecular consequence: missense variant. On other transcripts: intron variant (137).
Genome position (GRCh38, 1-based): chr17:43,094,615, T>C on the plus strand (A>G on the coding strand, the complement: BRCA1 is on the minus strand). VCF-style: chr17-43094615-T-C. GRCh37 (hg19) VCF-style: chr17-41246632-T-C.
Other names: c.577+129A>G (NM_001408480.1, NM_001408492.1, NM_001408513.1 and 9 more transcripts); c.778+129A>G (NM_001408408.1); c.661+129A>G (NM_001408446.1, NM_001408435.1, NM_001408445.1 and 6 more transcripts); c.784+129A>G (NM_001408401.1, NM_001408396.1, NM_001407985.1 and 13 more transcripts); c.548-3583A>G (NM_001408494.1); c.664+129A>G (NM_001408444.1, NM_001408438.1, NM_001408430.1 and 12 more transcripts); c.670+1231A>G (NM_001408423.1, NM_001408420.1, NM_001408419.1 and 2 more transcripts); c.787+129A>G (NM_001408404.1, NM_001408472.1, NM_001407990.1 and 19 more transcripts); and 40 more; short protein forms N217D, N236D, N239D, N279D, N179D, N218D, N264D, N280D.
Identifiers: ClinVar variation 2131600 (VCV002131600.7), dbSNP rs1264744701, ClinGen allele CA10600239.
Genomic context (GRCh38, chr17:43,094,615, plus strand): 5'-CCTTACTTCCAGCCCATCTGTTATGTTGGCTCCTTGCTAAGCCAGGCTGTTTGCTTTTAT[T>C]ACAGAATTCAGCCTTTTCTACATTCATTCTGTCTTTAGTGAGTAATAAACTGCTGTTCTC-3'
Protein context (NP_009225.1, residues 296-316): RMNVEKAEFC[Asn306Asp]KSKQPGLARS

ClinVar aggregate classification (germline): Conflicting classifications of pathogenicity. Review status: criteria provided, conflicting classifications (1 of 4 stars). 3 submissions from 3 submitters: Uncertain significance (2); Likely benign (1). Last evaluated 2025-12-05.

Conditions:
Hereditary cancer-predisposing syndrome. Also called: Hereditary neoplastic syndrome; Hereditary Cancer Syndrome; Tumor predisposition; Neoplastic Syndromes, Hereditary. Identifiers: Orphanet 140162, MedGen C0027672, MeSH D009386, MONDO:0015356.
Hereditary breast ovarian cancer syndrome. Also called: Hereditary breast and ovarian cancer; Hereditary breast and/or ovarian cancer syndrome; Hereditary breast and ovarian cancer syndrome (HBOC); Breast and ovarian cancer; Hereditary breast and ovarian cancer syndrome; BRCA1- and BRCA2-Associated Hereditary Breast and Ovarian Cancer. Identifiers: Orphanet 145, MedGen C0677776, MeSH D061325, MONDO:0003582. Disease mechanism: loss of function.

Allele frequency attached by ClinVar (database versions not stated): gnomAD exomes below 0.00001.
gnomAD v4.1: 1 of 1,614,202 alleles (0.000062%); highest among the groups gnomAD compares: East Asian, 0.0022%; no homozygotes.

Submissions (3):

Women's Health and Genetics/Laboratory Corporation of America, LabCorp
Classification: Uncertain significance. Last evaluated: 2025-12-05. Review status: criteria provided, single submitter. Criteria: LabCorp Variant Classification Summary - May 2015. Collection method: clinical testing. Allele origin: germline.

Labcorp Genetics (formerly Invitae), Labcorp
Classification: Uncertain significance for Hereditary breast ovarian cancer syndrome. Last evaluated: 2023-11-05. Review status: criteria provided, single submitter. Criteria: Invitae Variant Classification Sherloc (09022015). Collection method: clinical testing. Allele origin: germline.
Comment: This sequence change replaces asparagine, which is neutral and polar, with aspartic acid, which is acidic and polar, at codon 306 of the BRCA1 protein (p.Asn306Asp). This variant is present in population databases (no rsID available, gnomAD 0.006%). This variant has not been reported in the literature in individuals affected with BRCA1-related conditions. ClinVar contains an entry for this variant (Variation ID: 2131600). Advanced modeling of protein sequence and biophysical properties (such as structural, functional, and spatial information, amino acid conservation, physicochemical variation, residue mobility, and thermodynamic stability) performed at Invitae indicates that this missense variant is not expected to disrupt BRCA1 protein function with a negative predictive value of 95%. In summary, the available evidence is currently insufficient to determine the role of this variant in disease. Therefore, it has been classified as a Variant of Uncertain Significance.

University of Washington Department of Laboratory Medicine, University of Washington
Classification: Likely benign for Hereditary cancer-predisposing syndrome. Last evaluated: 2023-03-23. Review status: criteria provided, single submitter. Criteria: Dines et al. (Genet Med. 2020). Collection method: curation. Allele origin: germline.
Comment: Missense variant in a coldspot region where missense variants are very unlikely to be pathogenic (PMID:31911673).

BRCA1 coldspot (exon 11 using historical exon numbering). Reclassification based on statistical prior probability